The following is an entry in ClinVar:

ClinVar aggregate classification (germline): Uncertain significance (1 of 4 stars; one submission).

Submission:

GeneDx
Classification: Uncertain significance. Last evaluated: 2025-05-14. Review status: criteria provided, single submitter. Criteria: GeneDx Variant Classification Process June 2021. Collection method: clinical testing. Allele origin: germline. Affected: yes.
Comment: Not observed at significant frequency in large population cohorts (gnomAD); In silico analysis supports that this missense variant has a deleterious effect on protein structure/function; Has not been previously published as pathogenic or benign to our knowledge

NM_004006.3(DMD):c.5579C>A (p.Ala1860Asp)

Gene: DMD (dystrophin; minus strand). Cytogenetic location: Xp21.1.
Variant type: single nucleotide variant.
Coding change: c.5579C>A on transcript NM_004006.3 (MANE Select); coding-DNA position 5579, C replaced by A.
Protein change: p.Ala1860Asp; replaces alanine 1860 with aspartic acid.
Molecular consequence: missense variant.
Genome position (GRCh38, 1-based): chrX:32,345,950, G>T on the plus strand (C>A on the coding strand, the complement: DMD is on the minus strand). VCF-style: chrX-32345950-G-T. GRCh37 (hg19) VCF-style: chrX-32364067-G-T.
Other names: c.5555C>A, p.Ala1852Asp (NM_000109.4); c.5567C>A, p.Ala1856Asp (NM_004009.3); c.5210C>A, p.Ala1737Asp (NM_004010.3); c.1556C>A, p.Ala519Asp (NM_004011.4); c.1547C>A, p.Ala516Asp (NM_004012.4); short protein forms A1737D, A1852D, A1856D, A1860D, A516D, A519D.
Identifiers: ClinVar variation 4529900 (VCV004529900.1).